The following is an entry in ClinVar:

NM_182548.4(LHFPL5):c.650A>G (p.Glu217Gly)

Gene: LHFPL5 (LHFPL tetraspan subfamily member 5; plus strand). Cytogenetic location: 6p21.31.
Variant type: single nucleotide variant.
Coding change: c.650A>G on transcript NM_182548.4 (MANE Select); coding-DNA position 650, A replaced by G.
Protein change: p.Glu217Gly; replaces glutamic acid 217 with glycine.
Molecular consequence: missense variant.
Genome position (GRCh38, 1-based): chr6:35,819,437, A>G. VCF-style: chr6-35819437-A-G. GRCh37 (hg19) VCF-style: chr6-35787214-A-G.
Other names: short protein forms E217G.
Identifiers: ClinVar variation 905377 (VCV000905377.6), dbSNP rs767421846, ClinGen allele CA3774481.

ClinVar aggregate classification (germline): Uncertain significance. Review status: criteria provided, multiple submitters, no conflicts (2 of 4 stars). 3 submissions from 3 submitters: Uncertain significance (3). Last evaluated 2024-11-08.

Conditions:
Autosomal recessive nonsyndromic hearing loss 67. Identifiers: Orphanet 90636, MedGen C1853223, MONDO:0012460, OMIM 610265.

Allele frequency attached by ClinVar (database versions not stated): gnomAD 0.00002 and 0.00003; gnomAD exomes 0.00002 and 0.00004; TOPMed 0.00002; ExAC 0.00003.
gnomAD v4.1: 57 of 1,613,962 alleles (0.0035%); highest among the groups gnomAD compares: East Asian, 0.12%; no homozygotes.

Submissions (3):

GeneDx
Classification: Uncertain significance. Last evaluated: 2024-11-08. Review status: criteria provided, single submitter. Criteria: GeneDx Variant Classification Process June 2021. Collection method: clinical testing. Allele origin: germline. Affected: yes.
Comment: In silico analysis indicates that this missense variant does not alter protein structure/function; Has not been previously published as pathogenic or benign to our knowledge

Blueprint Genetics
Classification: Uncertain significance. Last evaluated: 2020-11-11. Review status: criteria provided, single submitter. Criteria: ACMG Guidelines, 2015. Collection method: clinical testing. Allele origin: germline.

Illumina Laboratory Services, Illumina
Classification: Uncertain significance for Autosomal recessive nonsyndromic hearing loss 67. Last evaluated: 2018-01-13. Review status: criteria provided, single submitter. Criteria: ICSL Variant Classification Criteria 13 December 2019. Collection method: clinical testing. Allele origin: germline.